The following is an entry in ClinVar:

NM_001375905.1(SGMS2):c.283G>A (p.Val95Ile)

Genes: CYP2U1-AS1 (CYP2U1 and SGMS2 antisense RNA 1; minus strand), SGMS2 (sphingomyelin synthase 2; plus strand). Cytogenetic location: 4q25.
Variant type: single nucleotide variant.
Coding change: c.283G>A on transcript NM_001375905.1 (MANE Select); coding-DNA position 283, G replaced by A.
Protein change: p.Val95Ile; replaces valine 95 with isoleucine.
Molecular consequence: missense variant. On other transcripts: intron variant (1).
Genome position (GRCh38, 1-based): chr4:107,895,836, G>A. VCF-style: chr4-107895836-G-A. GRCh37 (hg19) VCF-style: chr4-108816992-G-A.
Other names: c.283G>A, p.Val95Ile (NM_001136257.2, NM_001136258.2, NM_001375906.1 and 4 more transcripts); c.-64-3739G>A (NM_001375911.1); short protein forms V95I.
Identifiers: ClinVar variation 2056005 (VCV002056005.4), dbSNP rs140662367, ClinGen allele CA3036748.

ClinVar aggregate classification (germline): Uncertain significance (1 of 4 stars; one submission).

Allele frequency attached by ClinVar (database versions not stated): ExAC 0.00005; gnomAD 0.00014; TOPMed 0.00018; ESP Exome Variant Server 0.00031.
gnomAD v4.1: 73 of 1,613,780 alleles (0.0045%); highest among the groups gnomAD compares: African/African-American, 0.049%; no homozygotes.

Submission:

Labcorp Genetics (formerly Invitae), Labcorp
Classification: Uncertain significance. Last evaluated: 2025-12-30. Review status: criteria provided, single submitter. Criteria: Invitae Variant Classification Sherloc (09022015). Collection method: clinical testing. Allele origin: germline.
Comment: This sequence change replaces valine, which is neutral and non-polar, with isoleucine, which is neutral and non-polar, at codon 95 of the SGMS2 protein (p.Val95Ile). This variant is present in population databases (rs140662367, gnomAD 0.06%), and has an allele count higher than expected for a pathogenic variant. This variant has not been reported in the literature in individuals affected with SGMS2-related conditions. ClinVar contains an entry for this variant (Variation ID: 2056005). Invitae Evidence Modeling of protein sequence and biophysical properties (such as structural, functional, and spatial information, amino acid conservation, physicochemical variation, residue mobility, and thermodynamic stability) indicates that this missense variant is not expected to disrupt SGMS2 protein function with a negative predictive value of 80%. In summary, the available evidence is currently insufficient to determine the role of this variant in disease. Therefore, it has been classified as a Variant of Uncertain Significance.